The following is an entry in ClinVar:

NM_004260.4(RECQL4):c.912G>C (p.Gln304His)

Gene: RECQL4 (RecQ like helicase 4; minus strand). Cytogenetic location: 8q24.3.
Variant type: single nucleotide variant.
Coding change: c.912G>C on transcript NM_004260.4 (MANE Select); coding-DNA position 912, G replaced by C.
Protein change: p.Gln304His; replaces glutamine 304 with histidine.
Molecular consequence: missense variant. On other transcripts: 5 prime UTR variant (17), non-coding transcript variant (3).
Genome position (GRCh38, 1-based): chr8:144,516,207, C>G on the plus strand (G>C on the coding strand, the complement: RECQL4 is on the minus strand). VCF-style: chr8-144516207-C-G. GRCh37 (hg19) VCF-style: chr8-145741591-C-G.
Other names: c.912G>C, p.Gln304His (NM_001413017.1, NM_001413018.1, NM_001413019.1 and 4 more transcripts); c.-160G>C (NM_001413021.1, NM_001413022.1, NM_001413023.1 and 7 more transcripts); c.783G>C, p.Gln261His (NM_001413025.1); c.-222G>C (NM_001413027.1, NM_001413030.1, NM_001413031.1 and 2 more transcripts); c.561G>C, p.Gln187His (NM_001413029.1); c.-64G>C (NM_001413034.1); c.-429G>C (NM_001413043.1); short protein forms Q187H, Q261H, Q304H.
Identifiers: ClinVar variation 3787959 (VCV003787959.1).

ClinVar aggregate classification (germline): Uncertain significance (1 of 4 stars; one submission).

Conditions:
Inborn genetic diseases. Identifiers: MedGen C0950123, MeSH D030342.

Submission:

Ambry Genetics
Classification: Uncertain significance for Inborn genetic diseases. Last evaluated: 2024-12-22. Review status: criteria provided, single submitter. Criteria: Ambry Variant Classification Scheme 2023. Collection method: clinical testing. Allele origin: germline.
Comment: The p.Q304H variant (also known as c.912G>C), located in coding exon 5 of the RECQL4 gene, results from a G to C substitution at nucleotide position 912. The glutamine at codon 304 is replaced by histidine, an amino acid with highly similar properties. This amino acid position is conserved. In addition, this alteration is predicted to be tolerated by in silico analysis. Based on the available evidence, the clinical significance of this variant remains unclear.